The following is an entry in ClinVar:

NM_001232.4(CASQ2):c.469G>A (p.Ala157Thr)

Gene: CASQ2 (calsequestrin 2; minus strand). Cytogenetic location: 1p13.1.
Variant type: single nucleotide variant.
Coding change: c.469G>A on transcript NM_001232.4 (MANE Select); coding-DNA position 469, G replaced by A.
Protein change: p.Ala157Thr; replaces alanine 157 with threonine.
Molecular consequence: missense variant.
Genome position (GRCh38, 1-based): chr1:115,738,287, C>T on the plus strand (G>A on the coding strand, the complement: CASQ2 is on the minus strand). VCF-style: chr1-115738287-C-T. GRCh37 (hg19) VCF-style: chr1-116280908-C-T.
Other names: short protein forms A157T.
Identifiers: ClinVar variation 4736337 (VCV004736337.1).
Genomic context (GRCh38, chr1:115,738,287, plus strand): 5'-CTGAGTCCTCACTCTTGAAAAAGCCAATGAGTTTGATGTAGTCTTCAATGCGTTCGAAGG[C>T]TTGGACTTCCAGTTTGCTGCTGATGATCTCCACTGGGTCTTCAATTAGCTGAAATGCCAC-3'
Protein context (NP_001223.2, residues 147-167): EIISSKLEVQ[Ala157Thr]FERIEDYIKL

ClinVar aggregate classification (germline): Uncertain significance (1 of 4 stars; one submission).

Conditions:
Catecholaminergic polymorphic ventricular tachycardia 1. Also called: VENTRICULAR TACHYCARDIA, CATECHOLAMINERGIC POLYMORPHIC, 1, WITH OR WITHOUT ATRIAL DYSFUNCTION AND/OR DILATED CARDIOMYOPATHY; RYR2-Related Catecholaminergic Polymorphic Ventricular Tachycardia; VENTRICULAR TACHYCARDIA, STRESS-INDUCED POLYMORPHIC 1. Identifiers: Orphanet 3286, MedGen C1631597, MONDO:0011484, OMIM 604772.

gnomAD v4.1: 4 of 1,614,020 alleles (0.00025%); highest among the groups gnomAD compares: Non-Finnish European, 0.00034%; no homozygotes.

Submission:

Labcorp Genetics (formerly Invitae), Labcorp
Classification: Uncertain significance for Catecholaminergic polymorphic ventricular tachycardia 1. Last evaluated: 2025-12-31. Review status: criteria provided, single submitter. Criteria: Invitae Variant Classification Sherloc (09022015). Collection method: clinical testing. Allele origin: germline.
Comment: This sequence change replaces alanine, which is neutral and non-polar, with threonine, which is neutral and polar, at codon 157 of the CASQ2 protein (p.Ala157Thr). This variant is not present in population databases (gnomAD no frequency). This variant has not been reported in the literature in individuals affected with CASQ2-related conditions. Invitae Evidence Modeling of protein sequence and biophysical properties (such as structural, functional, and spatial information, amino acid conservation, physicochemical variation, residue mobility, and thermodynamic stability) indicates that this missense variant is not expected to disrupt CASQ2 protein function with a negative predictive value of 80%. In summary, the available evidence is currently insufficient to determine the role of this variant in disease. Therefore, it has been classified as a Variant of Uncertain Significance.